The following is an entry in ClinVar:

ClinVar aggregate classification (germline): Uncertain significance (1 of 4 stars; one submission).

Conditions:
Reticular dysgenesis. Also called: ALEUKOCYTOSIS; CONGENITAL ALEUKIA; HEMATOPOIETIC HYPOPLASIA, GENERALIZED; RETICULAR DYSGENESIA; SEVERE COMBINED IMMUNODEFICIENCY WITH LEUKOPENIA; DeVaal disease. Identifiers: Orphanet 33355, MedGen C0272167, MONDO:0009973, OMIM 267500.

Submission:

Labcorp Genetics (formerly Invitae), Labcorp
Classification: Uncertain significance for Reticular dysgenesis. Last evaluated: 2022-06-05. Review status: criteria provided, single submitter. Criteria: Invitae Variant Classification Sherloc (09022015). Collection method: clinical testing. Allele origin: germline.
Comment: This sequence change replaces threonine, which is neutral and polar, with asparagine, which is neutral and polar, at codon 192 of the AK2 protein (p.Thr192Asn). This variant is not present in population databases (gnomAD no frequency). This variant has not been reported in the literature in individuals affected with AK2-related conditions. ClinVar contains an entry for this variant (Variation ID: 1478579). Algorithms developed to predict the effect of missense changes on protein structure and function (SIFT, PolyPhen-2, Align-GVGD) all suggest that this variant is likely to be tolerated. In summary, the available evidence is currently insufficient to determine the role of this variant in disease. Therefore, it has been classified as a Variant of Uncertain Significance.

NM_001625.4(AK2):c.575C>A (p.Thr192Asn)

Gene: AK2 (adenylate kinase 2; minus strand). Cytogenetic location: 1p35.1.
Variant type: single nucleotide variant.
Coding change: c.575C>A on transcript NM_001625.4 (MANE Select); coding-DNA position 575, C replaced by A.
Protein change: p.Thr192Asn; replaces threonine 192 with asparagine.
Molecular consequence: missense variant. On other transcripts: 3 prime UTR variant (1), non-coding transcript variant (1).
Genome position (GRCh38, 1-based): chr1:33,013,326, G>T on the plus strand (C>A on the coding strand, the complement: AK2 is on the minus strand). VCF-style: chr1-33013326-G-T. GRCh37 (hg19) VCF-style: chr1-33478927-G-T.
Other names: c.551C>A, p.Thr184Asn (NM_001199199.3); c.431C>A, p.Thr144Asn (NM_001319139.3, NM_001319140.2); c.575C>A, p.Thr192Asn (NM_001319141.3, NM_013411.5); c.449C>A, p.Thr150Asn (NM_001319142.3); c.*78C>A (NM_001319143.2); short protein forms T144N, T184N, T192N, T150N.
Identifiers: ClinVar variation 1478579 (VCV001478579.6), dbSNP rs1327622268, ClinGen allele CA339699410.
Genomic context (GRCh38, chr1:33,013,326, plus strand): 5'-GCATCGATGGCGGAGTGGATCCCCCGTTTCCTGTAGTACTCTATGAGTGGGGTGGTTTGA[G>T]TGTGGTAGGCTTGCAGGCGGATTTTCAAGGCCTTTTCATTATCATCTGATCGACGGATCA-3'
Protein context (NP_001616.1, residues 182-202): ALKIRLQAYH[Thr192Asn]QTTPLIEYYR